The following is an entry in ClinVar:

ClinVar aggregate classification (germline): Uncertain significance (1 of 4 stars; one submission).

Allele frequency attached by ClinVar (database versions not stated): TOPMed below 0.00001; gnomAD exomes 0.00001.
gnomAD v4.1: 5 of 1,614,210 alleles (0.00031%); highest among the groups gnomAD compares: Non-Finnish European, 0.00042%; no homozygotes.

Submission:

Women's Health and Genetics/Laboratory Corporation of America, LabCorp
Classification: Uncertain significance. Last evaluated: 2023-11-08. Review status: criteria provided, single submitter. Criteria: LabCorp Variant Classification Summary - May 2015. Collection method: clinical testing. Allele origin: germline.
Comment: Variant summary: SCN9A c.5411T>C (p.Ile1804Thr) results in a non-conservative amino acid change in the encoded protein sequence. Four of five in-silico tools predict a damaging effect of the variant on protein function. The variant was absent in 251482 control chromosomes (gnomAD). The available data on variant occurrences in the general population are insufficient to allow any conclusion about variant significance. To our knowledge, no occurrence of c.5411T>C in individuals affected with Primary Erythromelalgia and no experimental evidence demonstrating its impact on protein function have been reported. No submitters have cited clinical-significance assessments for this variant to ClinVar after 2014. Based on the evidence outlined above, the variant was classified as uncertain significance.

NM_001365536.1(SCN9A):c.5444T>C (p.Ile1815Thr)

Genes: SCN1A-AS1 (SCN1A and SCN9A antisense RNA 1; plus strand), SCN9A (sodium voltage-gated channel alpha subunit 9; minus strand). Cytogenetic location: 2q24.3.
Variant type: single nucleotide variant.
Coding change: c.5444T>C on transcript NM_001365536.1 (MANE Select); coding-DNA position 5444, T replaced by C.
Protein change: p.Ile1815Thr; replaces isoleucine 1815 with threonine.
Molecular consequence: missense variant.
Genome position (GRCh38, 1-based): chr2:166,199,195, A>G on the plus strand (T>C on the coding strand, the complement: SCN9A is on the minus strand). VCF-style: chr2-166199195-A-G. GRCh37 (hg19) VCF-style: chr2-167055705-A-G.
Other names: c.5411T>C, p.Ile1804Thr (NM_002977.4); short protein forms I1804T, I1815T.
Identifiers: ClinVar variation 2682397 (VCV002682397.1), dbSNP rs1421578407, ClinGen allele CA349052801.